The following is an entry in ClinVar:

NM_182476.3(COQ6):c.164-12dup

Gene: COQ6 (coenzyme Q6, monooxygenase; plus strand). Cytogenetic location: 14q24.3.
Variant type: Duplication.
Coding change: c.164-12dup on transcript NM_182476.3 (MANE Select); 12 bases into the intron before coding-DNA position 164, one base duplicated (T; older notation c.164-12dupT).
Molecular consequence: intron variant.
Genome position (GRCh38, 1-based): chr14:73,953,423, T duplicated; the last of 4 consecutive T bases (chr14:73,953,420-73,953,423); duplicating any one gives the same sequence. VCF-style (leftmost placement, unchanged base first): chr14-73953419-A-AT. GRCh37 (hg19) VCF-style: chr14-74420122-A-AT.
Other names: c.89-12dup (NM_182480.3).
Identifiers: ClinVar variation 235772 (VCV000235772.9), dbSNP rs745746077, ClinGen allele CA7264078.

ClinVar aggregate classification (germline): Benign/Likely benign. Review status: criteria provided, multiple submitters, no conflicts (2 of 4 stars). 4 submissions from 4 submitters: Benign (1); Likely benign (3). Last evaluated 2026-01-26.

Conditions:
Familial steroid-resistant nephrotic syndrome with sensorineural deafness. Identifiers: Orphanet 280406, MedGen C3553349, MONDO:0013836, OMIM 614650.

Submissions (4):

Labcorp Genetics (formerly Invitae), Labcorp
Classification: Benign. Last evaluated: 2026-01-26. Review status: criteria provided, single submitter. Criteria: Invitae Variant Classification Sherloc (09022015). Collection method: clinical testing. Allele origin: germline.

Blueprint Genetics
Classification: Likely benign. Last evaluated: 2024-11-26. Review status: criteria provided, single submitter. Criteria: ACMG Guidelines, 2015. Collection method: clinical testing. Allele origin: germline.

Fulgent Genetics
Classification: Likely benign for Familial steroid-resistant nephrotic syndrome with sensorineural deafness. Last evaluated: 2021-12-14. Review status: criteria provided, single submitter. Criteria: ACMG Guidelines, 2015. Collection method: clinical testing. Allele origin: unknown.

Center for Pediatric Genomic Medicine, Children's Mercy Hospital and Clinics
Classification: Likely benign. Last evaluated: 2016-05-10. Review status: criteria provided, single submitter. Criteria: ACMG Guidelines, 2015. Collection method: clinical testing. Allele origin: germline.
ClinVar note: Converted during submission from Likely Benign to Likely benign.